The following is an entry in ClinVar:

ClinVar aggregate classification (germline): Benign (1 of 4 stars; one submission).

Conditions:
Diaphyseal medullary stenosis-bone malignancy syndrome. Also called: MYOPATHY, LIMB-GIRDLE, WITH BONE FRAGILITY; BONE DYSPLASIA WITH MALIGNANT FIBROUS HISTIOCYTOMA; BONE DYSPLASIA WITH MEDULLARY FIBROSARCOMA. Identifiers: Orphanet 85182, MedGen C1862177, MONDO:0007205, OMIM 112250.

Allele frequency attached by ClinVar (database versions not stated): gnomAD 0.00555 and 0.00491; 1000 Genomes Project 30x 0.01156; 1000 Genomes Project 0.01178; gnomAD exomes 0.00055; TOPMed 0.00479.
gnomAD v4.1: 1,375 of 985,260 alleles (0.14%); highest among the groups gnomAD compares: East Asian, 5.2%; 26 homozygotes.

Submissions (4):

Illumina Laboratory Services, Illumina
Classification: Benign for Diaphyseal medullary stenosis-bone malignancy syndrome. Last evaluated: 2018-01-12. Review status: criteria provided, single submitter. Criteria: ICSL Variant Classification Criteria 13 December 2019. Collection method: clinical testing. Allele origin: germline.
Comment: This variant was observed in the ICSL laboratory as part of a predisposition screen in an ostensibly healthy population. It had not been previously curated by ICSL or reported in the Human Gene Mutation Database (HGMD: prior to June 1st, 2018), and was therefore a candidate for classification through an automated scoring system. Utilizing variant allele frequency, disease prevalence and penetrance estimates, and inheritance mode, an automated score was calculated to assess if this variant is too frequent to cause the disease. Based on the score and internal cut-off values, a variant classified as benign is not then subjected to further curation. The score for this variant resulted in a classification of benign for this disease.

Dr. Peter K. Rogan Lab, Western University
No classification provided (evidence only). Condition: Gastric cancer. Review status: no classification provided. Collection method: in vitro. Allele origin: not applicable. Functional consequence: retained intron. Not counted in ClinVar's aggregate classification.

Dr. Peter K. Rogan Lab, Western University
No classification provided (evidence only). Condition: Malignant tumor of esophagus. Review status: no classification provided. Collection method: in vitro. Allele origin: not applicable. Functional consequence: retained intron. Not counted in ClinVar's aggregate classification.

Dr. Peter K. Rogan Lab, Western University
No classification provided (evidence only). Condition: Malignant tumor of esophagus. Review status: no classification provided. Collection method: in vitro. Allele origin: not applicable. Functional consequence: retained intron. Not counted in ClinVar's aggregate classification.

NM_002451.4(MTAP):c.*1643G>T

Gene: MTAP (methylthioadenosine phosphorylase; plus strand). Cytogenetic location: 9p21.3.
Variant type: single nucleotide variant.
Coding change: c.*1643G>T on transcript NM_002451.4 (MANE Select); 1643 bases downstream of the stop codon, G replaced by T.
Molecular consequence: 3 prime UTR variant.
Genome position (GRCh38, 1-based): chr9:21,863,657, G>T. VCF-style: chr9-21863657-G-T. GRCh37 (hg19) VCF-style: chr9-21863656-G-T.
Other names: NC_000009.11:g.21863656G>T.
Identifiers: ClinVar variation 366283 (VCV000366283.6), dbSNP rs79546636, ClinGen allele CA10627086.